The following is an entry in ClinVar:

ClinVar aggregate classification (germline): Uncertain significance (1 of 4 stars; one submission).

Submission:

Labcorp Genetics (formerly Invitae), Labcorp
Classification: Uncertain significance. Last evaluated: 2020-01-30. Review status: criteria provided, single submitter. Criteria: Invitae Variant Classification Sherloc (09022015). Collection method: clinical testing. Allele origin: germline.
Comment: Algorithms developed to predict the effect of missense changes on protein structure and function output the following: SIFT: "Deleterious"; PolyPhen-2: "Benign"; Align-GVGD: "Class C55". The serine amino acid residue is found in multiple mammalian species, suggesting that this missense change does not adversely affect protein function. These predictions have not been confirmed by published functional studies and their clinical significance is uncertain. In summary, the available evidence is currently insufficient to determine the role of this variant in disease. Therefore, it has been classified as a Variant of Uncertain Significance. Algorithms developed to predict the effect of sequence changes on RNA splicing suggest that this variant may create or strengthen a splice site, but this prediction has not been confirmed by published transcriptional studies. This variant has not been reported in the literature in individuals with EYS-related conditions. This variant is not present in population databases (ExAC no frequency). This sequence change replaces glycine with serine at codon 187 of the EYS protein (p.Gly187Ser). The glycine residue is highly conserved and there is a small physicochemical difference between glycine and serine.

NM_001142800.2(EYS):c.559G>A (p.Gly187Ser)

Gene: EYS (EGF-like photoreceptor maintenance factor; minus strand). Cytogenetic location: 6q12.
Variant type: single nucleotide variant.
Coding change: c.559G>A on transcript NM_001142800.2 (MANE Select); coding-DNA position 559, G replaced by A.
Protein change: p.Gly187Ser; replaces glycine 187 with serine.
Molecular consequence: missense variant.
Genome position (GRCh38, 1-based): chr6:65,494,852, C>T on the plus strand (G>A on the coding strand, the complement: EYS is on the minus strand). VCF-style: chr6-65494852-C-T. GRCh37 (hg19) VCF-style: chr6-66204745-C-T.
Other names: c.559G>A, p.Gly187Ser (NM_001142801.2, NM_001292009.2, NM_198283.2); short protein forms G187S.
Identifiers: ClinVar variation 1042866 (VCV001042866.9), dbSNP rs779319928, ClinGen allele CA364789649.